The following is an entry in ClinVar:

NM_000059.4(BRCA2):c.9343A>G (p.Lys3115Glu)

Gene: BRCA2 (BRCA2 DNA repair associated; plus strand). Cytogenetic location: 13q13.1.
Variant type: single nucleotide variant.
Coding change: c.9343A>G on transcript NM_000059.4 (MANE Select); coding-DNA position 9343, A replaced by G.
Protein change: p.Lys3115Glu; replaces lysine 3115 with glutamic acid.
Molecular consequence: missense variant.
Genome position (GRCh38, 1-based): chr13:32,394,775, A>G. VCF-style: chr13-32394775-A-G. GRCh37 (hg19) VCF-style: chr13-32968912-A-G.
Other names: c.9247A>G, p.Lys3083Glu (NM_001406719.1); c.9292A>G, p.Lys3098Glu (NM_001406720.1); c.4411A>G, p.Lys1471Glu (NM_001406721.1); c.2926A>G, p.Lys976Glu (NM_001406722.1); short protein forms K1471E, K3083E, K3098E, K3115E, K976E.
Identifiers: ClinVar variation 1719100 (VCV001719100.6), dbSNP rs2137652875, ClinGen allele CA387761056.
Genomic context (GRCh38, chr13:32,394,775, plus strand): 5'-GACGAATGTTACAATTTACTGGCAATAAAGTTTTGGATAGACCTTAATGAGGACATTATT[A>G]AGCCTCATATGTTAATTGCTGCAAGCAACCTCCAGTGGCGACCAGAATCCAAATCAGGCC-3'
Protein context (NP_000050.3, residues 3105-3125): FWIDLNEDII[Lys3115Glu]PHMLIAASNL

ClinVar aggregate classification (germline): Uncertain significance (1 of 4 stars; one submission).

Conditions:
Hereditary breast ovarian cancer syndrome. Also called: BRCA1- and BRCA2-Associated Hereditary Breast and Ovarian Cancer; Hereditary breast and ovarian cancer syndrome (HBOC); Hereditary breast and/or ovarian cancer syndrome; Hereditary breast and ovarian cancer syndrome; Hereditary breast and ovarian cancer; Breast and ovarian cancer. Identifiers: Orphanet 145, MedGen C0677776, MeSH D061325, MONDO:0003582. Disease mechanism: loss of function.

Submission:

Labcorp Genetics (formerly Invitae), Labcorp
Classification: Uncertain significance for Hereditary breast ovarian cancer syndrome. Last evaluated: 2022-09-09. Review status: criteria provided, single submitter. Criteria: Invitae Variant Classification Sherloc (09022015). Collection method: clinical testing. Allele origin: germline.
Comment: In summary, the available evidence is currently insufficient to determine the role of this variant in disease. Therefore, it has been classified as a Variant of Uncertain Significance. Advanced modeling of protein sequence and biophysical properties (such as structural, functional, and spatial information, amino acid conservation, physicochemical variation, residue mobility, and thermodynamic stability) performed at Invitae indicates that this missense variant is not expected to disrupt BRCA2 protein function. This variant has not been reported in the literature in individuals affected with BRCA2-related conditions. This variant is not present in population databases (gnomAD no frequency). This sequence change replaces lysine, which is basic and polar, with glutamic acid, which is acidic and polar, at codon 3115 of the BRCA2 protein (p.Lys3115Glu).